The following is an entry in ClinVar:

ClinVar aggregate classification (germline): Uncertain significance. Review status: criteria provided, multiple submitters, no conflicts (2 of 4 stars). 2 submissions from 2 submitters: Uncertain significance (2). Last evaluated 2026-08-17.

Conditions:
Inborn genetic diseases. Identifiers: MedGen C0950123, MeSH D030342.

gnomAD v4.1: 1 of 1,613,842 alleles (0.000062%); highest among the groups gnomAD compares: Non-Finnish European, 0.000085%; no homozygotes.

Submissions (2):

Ambry Genetics
Classification: Uncertain significance for Inborn genetic diseases. Last evaluated: 2026-08-17. Review status: criteria provided, single submitter. Criteria: Ambry Variant Classification Scheme 2023. Collection method: clinical testing. Allele origin: germline.

GeneDx
Classification: Uncertain significance. Last evaluated: 2025-06-27. Review status: criteria provided, single submitter. Criteria: GeneDx Variant Classification Process June 2021. Collection method: clinical testing. Allele origin: germline. Affected: yes.
Comment: Not observed at significant frequency in large population cohorts (gnomAD); In silico analysis supports that this missense variant has a deleterious effect on protein structure/function; Has not been previously published as pathogenic or benign to our knowledge

NM_006035.4(CDC42BPB):c.4552G>A (p.Glu1518Lys)

Gene: CDC42BPB (CDC42 binding protein kinase beta; minus strand). Cytogenetic location: 14q32.32.
Variant type: single nucleotide variant.
Coding change: c.4552G>A on transcript NM_006035.4 (MANE Select); coding-DNA position 4552, G replaced by A.
Protein change: p.Glu1518Lys; replaces glutamic acid 1518 with lysine.
Molecular consequence: missense variant.
Genome position (GRCh38, 1-based): chr14:102,940,085, C>T on the plus strand (G>A on the coding strand, the complement: CDC42BPB is on the minus strand). VCF-style: chr14-102940085-C-T. GRCh37 (hg19) VCF-style: chr14-103406422-C-T.
Other names: c.4474G>A, p.Glu1492Lys (NM_001411054.1); short protein forms E1492K, E1518K.
Identifiers: ClinVar variation 4681033 (VCV004681033.2).
Genomic context (GRCh38, chr14:102,940,085, plus strand): 5'-CCGGTGCAGAGGAAGGCTCACCCGAGAACTTGCTCTTGAAGTAGATCAAGCGTGGAGGCT[C>T]GCAGTTGAGGAGGTTGAGGGTGCCTTCAGAGTTCAGGGGCCTTATCTGGATTGGAAACCA-3'
Protein context (NP_006026.3, residues 1508-1528): SEGTLNLLNC[Glu1518Lys]PPRLIYFKSK